The following is an entry in ClinVar:

NM_001111067.4(ACVR1):c.1421T>C (p.Met474Thr)

Gene: ACVR1 (activin A receptor type 1; minus strand). Cytogenetic location: 2q24.1.
Variant type: single nucleotide variant.
Coding change: c.1421T>C on transcript NM_001111067.4 (MANE Select); coding-DNA position 1421, T replaced by C.
Protein change: p.Met474Thr; replaces methionine 474 with threonine.
Molecular consequence: missense variant.
Genome position (GRCh38, 1-based): chr2:157,737,640, A>G on the plus strand (T>C on the coding strand, the complement: ACVR1 is on the minus strand). VCF-style: chr2-157737640-A-G. GRCh37 (hg19) VCF-style: chr2-158594152-A-G.
Other names: c.1421T>C, p.Met474Thr (NM_001105.5, NM_001347663.1, NM_001347664.1 and 3 more transcripts); short protein forms M474T.
Identifiers: ClinVar variation 4761618 (VCV004761618.1).

ClinVar aggregate classification (germline): Uncertain significance (1 of 4 stars; one submission).

Submission:

Labcorp Genetics (formerly Invitae), Labcorp
Classification: Uncertain significance. Last evaluated: 2025-08-11. Review status: criteria provided, single submitter. Criteria: Invitae Variant Classification Sherloc (09022015). Collection method: clinical testing. Allele origin: germline.
Comment: This sequence change replaces methionine, which is neutral and non-polar, with threonine, which is neutral and polar, at codon 474 of the ACVR1 protein (p.Met474Thr). This variant is not present in population databases (gnomAD no frequency). This variant has not been reported in the literature in individuals affected with ACVR1-related conditions. An algorithm developed to predict the effect of missense changes on protein structure and function (PolyPhen-2) suggests that this variant is likely to be disruptive. In summary, the available evidence is currently insufficient to determine the role of this variant in disease. Therefore, it has been classified as a Variant of Uncertain Significance.